The following is an entry in ClinVar:

NM_012448.4(STAT5B):c.1307C>G (p.Thr436Arg)

Gene: STAT5B (signal transducer and activator of transcription 5B; minus strand). Cytogenetic location: 17q21.2.
Variant type: single nucleotide variant.
Coding change: c.1307C>G on transcript NM_012448.4 (MANE Select); coding-DNA position 1307, C replaced by G.
Protein change: p.Thr436Arg; replaces threonine 436 with arginine.
Molecular consequence: missense variant.
Genome position (GRCh38, 1-based): chr17:42,217,233, G>C on the plus strand (C>G on the coding strand, the complement: STAT5B is on the minus strand). VCF-style: chr17-42217233-G-C. GRCh37 (hg19) VCF-style: chr17-40369251-G-C.
Other names: short protein forms T436R.
Identifiers: ClinVar variation 2099460 (VCV002099460.4), dbSNP rs2080179591, ClinGen allele CA399581240.

ClinVar aggregate classification (germline): Uncertain significance (1 of 4 stars; one submission).

Conditions:
Growth hormone insensitivity with immune dysregulation 1, autosomal recessive. Also called: LARON SYNDROME DUE TO POSTRECEPTOR DEFECT; GROWTH HORMONE INSENSITIVITY SYNDROME WITH IMMUNE DYSREGULATION 1, AUTOSOMAL RECESSIVE; Laron syndrome with immunodeficiency; GROWTH HORMONE INSENSITIVITY DUE TO POSTRECEPTOR DEFECT. Identifiers: Orphanet 220465, MedGen C5435698, MONDO:0100211, OMIM 245590.

Submission:

Labcorp Genetics (formerly Invitae), Labcorp
Classification: Uncertain significance for Growth hormone insensitivity with immune dysregulation 1, autosomal recessive. Last evaluated: 2022-04-09. Review status: criteria provided, single submitter. Criteria: Invitae Variant Classification Sherloc (09022015). Collection method: clinical testing. Allele origin: germline.
Comment: In summary, the available evidence is currently insufficient to determine the role of this variant in disease. Therefore, it has been classified as a Variant of Uncertain Significance. Algorithms developed to predict the effect of missense changes on protein structure and function are either unavailable or do not agree on the potential impact of this missense change (SIFT: "Deleterious"; PolyPhen-2: "Probably Damaging"; Align-GVGD: "Class C0"). This sequence change replaces threonine, which is neutral and polar, with arginine, which is basic and polar, at codon 436 of the STAT5B protein (p.Thr436Arg). This variant is not present in population databases (gnomAD no frequency). This variant has not been reported in the literature in individuals affected with STAT5B-related conditions.